The following is an entry in ClinVar:

NM_000051.4(ATM):c.4938del (p.Lys1646fs)

Gene: ATM (ATM serine/threonine kinase; plus strand). Cytogenetic location: 11q22.3.
Variant type: Deletion.
Coding change: c.4938del on transcript NM_000051.4 (MANE Select); coding-DNA position 4938, one base deleted (A; older notation c.4938delA).
Protein change: p.Lys1646fs; shifts the reading frame from lysine 1646.
Molecular consequence: frameshift variant.
Genome position (GRCh38, 1-based): chr11:108,297,315, A deleted; the last of 3 consecutive A bases (chr11:108,297,313-108,297,315); deleting any one gives the same sequence. VCF-style (leftmost placement, unchanged base first): chr11-108297312-GA-G. GRCh37 (hg19) VCF-style: chr11-108168039-GA-G.
Other names: c.4938delA (NM_000051.3); c.4938del, p.Lys1646fs (NM_001351834.2); short protein forms K1646fs.
Identifiers: ClinVar variation 141446 (VCV000141446.12), dbSNP rs587781754, ClinGen allele CA165425.

ClinVar aggregate classification (germline): Pathogenic/Likely pathogenic. Review status: criteria provided, multiple submitters, no conflicts (2 of 4 stars). 5 submissions from 5 submitters: Pathogenic (4); Likely pathogenic (1). Last evaluated 2025-03-07.

Conditions:
Hereditary cancer-predisposing syndrome. Also called: Neoplastic Syndromes, Hereditary; Hereditary Cancer Syndrome; Hereditary neoplastic syndrome; Tumor predisposition. Identifiers: Orphanet 140162, MedGen C0027672, MeSH D009386, MONDO:0015356.
Ataxia-telangiectasia syndrome (AT). Also called: Cerebello-oculocutaneous telangiectasia; Immunodeficiency with ataxia telangiectasia; Ataxia-telangiectasia, complementation group D; AT, COMPLEMENTATION GROUP C; ATAXIA-TELANGIECTASIA, FRESNO VARIANT; ATAXIA-TELANGIECTASIA, COMPLEMENTATION GROUP A. Identifiers: Orphanet 100, MedGen C0004135, MONDO:0008840, OMIM 208900.
Familial cancer of breast. Also called: Hereditary breast cancer; hereditary breast carcinoma; BREAST CANCER, FAMILIAL. Identifiers: Orphanet 227535, MedGen C0346153, MONDO:0016419, OMIM 114480. Disease mechanism: loss of function.

Submissions (5):

Labcorp Genetics (formerly Invitae), Labcorp
Classification: Pathogenic for Ataxia-telangiectasia syndrome. Last evaluated: 2025-03-07. Review status: criteria provided, single submitter. Criteria: Invitae Variant Classification Sherloc (09022015). Collection method: clinical testing. Allele origin: germline.
Comment: This sequence change creates a premature translational stop signal (p.Lys1646Asnfs*2) in the ATM gene. It is expected to result in an absent or disrupted protein product. Loss-of-function variants in ATM are known to be pathogenic (PMID: 23807571, 25614872). This variant is not present in population databases (gnomAD no frequency). This variant has not been reported in the literature in individuals affected with ATM-related conditions. ClinVar contains an entry for this variant (Variation ID: 141446). Algorithms developed to predict the effect of sequence changes on RNA splicing suggest that this variant may disrupt the consensus splice site. For these reasons, this variant has been classified as Pathogenic.

Myriad Genetics, Inc.
Classification: Pathogenic for Familial cancer of breast. Last evaluated: 2024-01-25. Review status: criteria provided, single submitter. Criteria: Myriad Autosomal Dominant, Autosomal Recessive and X-Linked Classification Criteria (2023). Collection method: clinical testing. Allele origin: unknown.
Comment: This variant is considered pathogenic. This variant creates a frameshift predicted to result in premature protein truncation.

Baylor Genetics
Classification: Likely pathogenic for Familial cancer of breast. Last evaluated: 2023-08-04. Review status: criteria provided, single submitter. Criteria: ACMG Guidelines, 2015. Collection method: clinical testing. Allele origin: unknown.

Ambry Genetics
Classification: Pathogenic for Hereditary cancer-predisposing syndrome. Last evaluated: 2023-02-28. Review status: criteria provided, single submitter. Criteria: Ambry Variant Classification Scheme 2023. Collection method: clinical testing. Allele origin: germline.
Comment: The c.4938delA pathogenic mutation, located in coding exon 32 of the ATM gene, results from a deletion of one nucleotide at nucleotide position 4938, causing a translational frameshift with a predicted alternate stop codon (p.K1646Nfs*2). This alteration is expected to result in loss of function by premature protein truncation or nonsense-mediated mRNA decay. As such, this alteration is interpreted as a disease-causing mutation.

Color Diagnostics, LLC DBA Color Health
Classification: Pathogenic for Hereditary cancer-predisposing syndrome. Last evaluated: 2022-09-12. Review status: criteria provided, single submitter. Criteria: ACMG Guidelines, 2015. Collection method: clinical testing. Allele origin: germline.
Comment: This variant deletes 1 nucleotide in exon 33 of the ATM gene, creating a frameshift and premature translation stop signal. This variant is expected to result in an absent or non-functional protein product. To our knowledge, this variant has not been reported in individuals affected with hereditary cancer in the literature. This variant has not been identified in the general population by the Genome Aggregation Database (gnomAD). Loss of ATM function is a known mechanism of disease. Based on the available evidence, this variant is classified as Pathogenic.

Literature cited by the submitters: PubMed 23807571 (cited by Labcorp Genetics (formerly Invitae), Labcorp); PubMed 25614872 (cited by Labcorp Genetics (formerly Invitae), Labcorp).